The following is an entry in ClinVar:

NM_015001.3(SPEN):c.2142C>G (p.Asp714Glu)

Gene: SPEN (spen family transcriptional repressor; plus strand). Cytogenetic location: 1p36.13.
Variant type: single nucleotide variant.
Coding change: c.2142C>G on transcript NM_015001.3 (MANE Select); coding-DNA position 2142, C replaced by G.
Protein change: p.Asp714Glu; replaces aspartic acid 714 with glutamic acid.
Molecular consequence: missense variant.
Genome position (GRCh38, 1-based): chr1:15,928,382, C>G. VCF-style: chr1-15928382-C-G. GRCh37 (hg19) VCF-style: chr1-16254877-C-G.
Other names: short protein forms D714E.
Identifiers: ClinVar variation 2629829 (VCV002629829.1), dbSNP rs1557758094, ClinGen allele CA338598289.
Genomic context (GRCh38, chr1:15,928,382, plus strand): 5'-ATATAGTTACAGGCAAAGGGAACGAGAAAGAGAACGTGAAAGATTTGAGTCTGACCGGGA[C>G]AGAGACCATGAGAGGAGGCCGATTGAACGAAGTCAAAGTCCTGTTCACTTGCGACGTCCA-3'
Protein context (NP_055816.2, residues 704-724): RERERFESDR[Asp714Glu]RDHERRPIER

ClinVar aggregate classification (germline): Uncertain significance (1 of 4 stars; one submission).

Conditions:
SPEN-related disorder. Also called: SPEN-related condition.

Allele frequency attached by ClinVar (database versions not stated): gnomAD exomes below 0.00001.
gnomAD v4.1: 1 of 1,614,148 alleles (0.000062%); highest among the groups gnomAD compares: Non-Finnish European, 0.000085%; no homozygotes.

Submission:

PreventionGenetics, part of Exact Sciences
Classification: Uncertain significance for SPEN-related condition. Last evaluated: 2023-01-06. Review status: criteria provided, single submitter. Criteria: ACMG Guidelines, 2015. Collection method: clinical testing. Allele origin: germline.
Comment: The SPEN c.2142C>G variant is predicted to result in the amino acid substitution p.Asp714Glu. To our knowledge, this variant has not been reported in the literature. This variant is reported in 0.00088% of alleles in individuals of European (Non-Finnish) descent in gnomAD. At this time, the clinical significance of this variant is uncertain due to the absence of conclusive functional and genetic evidence.